The following is an entry in ClinVar:

NM_000038.6(APC):c.1086C>T (p.Gly362=)

Gene: APC (APC regulator of Wnt signaling pathway; plus strand). Cytogenetic location: 5q22.2.
Variant type: single nucleotide variant.
Coding change: c.1086C>T on transcript NM_000038.6 (MANE Select); coding-DNA position 1086, C replaced by T.
Protein change: p.Gly362=; no amino-acid change (glycine 362 retained).
Molecular consequence: synonymous variant. On other transcripts: intron variant (4).
Genome position (GRCh38, 1-based): chr5:112,819,118, C>T. VCF-style: chr5-112819118-C-T. GRCh37 (hg19) VCF-style: chr5-112154815-C-T.
Other names: c.1086C>T, p.Gly362= (NM_001127510.3, NM_001354895.2, NM_001354896.2); c.1032C>T, p.Gly344= (NM_001127511.3); c.1116C>T, p.Gly372= (NM_001354897.2); c.1011C>T, p.Gly337= (NM_001354898.2); c.1002C>T, p.Gly334= (NM_001354899.2); c.909C>T, p.Gly303= (NM_001354900.2, NM_001354901.2); c.237C>T, p.Gly79= (NM_001354906.2); c.964-151C>T (NM_001354902.2); and 3 more.
Identifiers: ClinVar variation 846816 (VCV000846816.12), dbSNP rs1762829914, ClinGen allele CA445755831.
Genomic context (GRCh38, chr5:112,819,118, plus strand): 5'-CAGCTGTATATCCATGCGACAGTCTGGATGTCTTCCTCTCCTCATCCAGCTTTTACATGG[C>T]AATGACAAAGACTCTGTATTGTTGGGAAATTCCCGGGGCAGTAAAGAGGCTCGGGCCAGG-3'
Protein context (NP_000029.2, residues 352-372): CLPLLIQLLH[Gly362=]NDKDSVLLGN

ClinVar aggregate classification (germline): Uncertain significance. Review status: criteria provided, multiple submitters, no conflicts (2 of 4 stars). 2 submissions from 2 submitters: Uncertain significance (2). Last evaluated 2024-06-05.

Conditions:
Familial adenomatous polyposis 1 (FAP1). Also called: FAMILIAL ADENOMATOUS POLYPOSIS 1, ATTENUATED; POLYPOSIS, ADENOMATOUS INTESTINAL. Identifiers: MedGen C2713442, MONDO:0021056, OMIM 175100. Disease mechanism: loss of function.
Hereditary cancer-predisposing syndrome. Also called: Tumor predisposition; Hereditary neoplastic syndrome; Neoplastic Syndromes, Hereditary; Hereditary Cancer Syndrome. Identifiers: Orphanet 140162, MedGen C0027672, MeSH D009386, MONDO:0015356.

Submissions (2):

Ambry Genetics
Classification: Uncertain significance for Hereditary cancer-predisposing syndrome. Last evaluated: 2024-06-05. Review status: criteria provided, single submitter. Criteria: Ambry Variant Classification Scheme 2023. Collection method: clinical testing. Allele origin: germline.
Comment: The c.1086C>T variant (also known as p.G362G), located in coding exon 9 of the APC gene, results from a C to T substitution at nucleotide position 1086. This nucleotide substitution does not change the glycine at codon 362. This nucleotide position is highly conserved in available vertebrate species. In silico splice site analysis predicts that this alteration will result in the creation or strengthening of a novel splice donor site. RNA studies have demonstrated that this alteration results in an incomplete splice defect; the clinical impact of this abnormal splicing is unknown at this time (Ambry internal data). Based on the available evidence, the clinical significance of this variant remains unclear.

Labcorp Genetics (formerly Invitae), Labcorp
Classification: Uncertain significance for Familial adenomatous polyposis 1. Last evaluated: 2023-11-24. Review status: criteria provided, single submitter. Criteria: Invitae Variant Classification Sherloc (09022015). Collection method: clinical testing. Allele origin: germline.
Comment: This sequence change affects codon 362 of the APC mRNA. It is a 'silent' change, meaning that it does not change the encoded amino acid sequence of the APC protein. This variant is not present in population databases (gnomAD no frequency). This variant has not been reported in the literature in individuals affected with APC-related conditions. ClinVar contains an entry for this variant (Variation ID: 846816). Studies have shown that this variant is associated with altered splicing resulting in multiple RNA products (Invitae). In summary, the available evidence is currently insufficient to determine the role of this variant in disease. Therefore, it has been classified as a Variant of Uncertain Significance.